The following is an entry in ClinVar:

NM_003239.5(TGFB3):c.619A>G (p.Thr207Ala)

Gene: TGFB3 (transforming growth factor beta 3; minus strand). Cytogenetic location: 14q24.3.
Variant type: single nucleotide variant.
Coding change: c.619A>G on transcript NM_003239.5 (MANE Select); coding-DNA position 619, A replaced by G.
Protein change: p.Thr207Ala; replaces threonine 207 with alanine.
Molecular consequence: missense variant.
Genome position (GRCh38, 1-based): chr14:75,971,153, T>C on the plus strand (A>G on the coding strand, the complement: TGFB3 is on the minus strand). VCF-style: chr14-75971153-T-C. GRCh37 (hg19) VCF-style: chr14-76437496-T-C.
Other names: c.619A>G, p.Thr207Ala (NM_001329938.2, NM_001329939.2); short protein forms T207A.
Identifiers: ClinVar variation 4739134 (VCV004739134.1).

ClinVar aggregate classification (germline): Uncertain significance (1 of 4 stars; one submission).

Conditions:
Rienhoff syndrome. Also called: LOEYS-DIETZ SYNDROME 5. Identifiers: MedGen C3810012, MONDO:0014262, OMIM 615582.

Submission:

Labcorp Genetics (formerly Invitae), Labcorp
Classification: Uncertain significance for Rienhoff syndrome. Last evaluated: 2025-09-15. Review status: criteria provided, single submitter. Criteria: Invitae Variant Classification Sherloc (09022015). Collection method: clinical testing. Allele origin: germline.
Comment: This sequence change replaces threonine, which is neutral and polar, with alanine, which is neutral and non-polar, at codon 207 of the TGFB3 protein (p.Thr207Ala). This variant is not present in population databases (gnomAD no frequency). This variant has not been reported in the literature in individuals affected with TGFB3-related conditions. Invitae Evidence Modeling of protein sequence and biophysical properties (such as structural, functional, and spatial information, amino acid conservation, physicochemical variation, residue mobility, and thermodynamic stability) indicates that this missense variant is not expected to disrupt TGFB3 protein function with a negative predictive value of 80%. In summary, the available evidence is currently insufficient to determine the role of this variant in disease. Therefore, it has been classified as a Variant of Uncertain Significance.